The following is an entry in ClinVar:

NM_001031689.3(PLAA):c.997A>G (p.Asn333Asp)

Gene: PLAA (phospholipase A2 activating protein; minus strand). Cytogenetic location: 9p21.2.
Variant type: single nucleotide variant.
Coding change: c.997A>G on transcript NM_001031689.3 (MANE Select); coding-DNA position 997, A replaced by G.
Protein change: p.Asn333Asp; replaces asparagine 333 with aspartic acid.
Molecular consequence: missense variant.
Genome position (GRCh38, 1-based): chr9:26,923,220, T>C on the plus strand (A>G on the coding strand, the complement: PLAA is on the minus strand). VCF-style: chr9-26923220-T-C. GRCh37 (hg19) VCF-style: chr9-26923218-T-C.
Other names: c.997A>G, p.Asn333Asp (NM_001321546.2); short protein forms N333D.
Identifiers: ClinVar variation 1399701 (VCV001399701.6), dbSNP rs2131386870, ClinGen allele CA373132822.

ClinVar aggregate classification (germline): Uncertain significance (1 of 4 stars; one submission).

Allele frequency attached by ClinVar (database versions not stated): gnomAD exomes below 0.00001.
gnomAD v4.1: 2 of 1,612,942 alleles (0.00012%); highest among the groups gnomAD compares: Non-Finnish European, 0.00017%; no homozygotes.

Submission:

Labcorp Genetics (formerly Invitae), Labcorp
Classification: Uncertain significance. Last evaluated: 2023-12-18. Review status: criteria provided, single submitter. Criteria: Invitae Variant Classification Sherloc (09022015). Collection method: clinical testing. Allele origin: germline.
Comment: This sequence change replaces asparagine, which is neutral and polar, with aspartic acid, which is acidic and polar, at codon 333 of the PLAA protein (p.Asn333Asp). This variant is not present in population databases (gnomAD no frequency). This variant has not been reported in the literature in individuals affected with PLAA-related conditions. ClinVar contains an entry for this variant (Variation ID: 1399701). Advanced modeling of protein sequence and biophysical properties (such as structural, functional, and spatial information, amino acid conservation, physicochemical variation, residue mobility, and thermodynamic stability) performed at Invitae indicates that this missense variant is not expected to disrupt PLAA protein function with a negative predictive value of 80%. In summary, the available evidence is currently insufficient to determine the role of this variant in disease. Therefore, it has been classified as a Variant of Uncertain Significance.